The following is an entry in ClinVar:

NM_002294.3(LAMP2):c.204C>G (p.Asp68Glu)

Gene: LAMP2 (lysosome associated membrane protein 2; minus strand). Cytogenetic location: Xq24.
Variant type: single nucleotide variant.
Coding change: c.204C>G on transcript NM_002294.3 (MANE Select); coding-DNA position 204, C replaced by G.
Protein change: p.Asp68Glu; replaces aspartic acid 68 with glutamic acid.
Molecular consequence: missense variant.
Genome position (GRCh38, 1-based): chrX:120,455,550, G>C on the plus strand (C>G on the coding strand, the complement: LAMP2 is on the minus strand). VCF-style: chrX-120455550-G-C. GRCh37 (hg19) VCF-style: chrX-119589405-G-C.
Other names: c.204C>G, p.Asp68Glu (NM_001122606.1, NM_013995.2); short protein forms D68E.
Identifiers: ClinVar variation 379589 (VCV000379589.14), dbSNP rs376215728, ClinGen allele CA10505334.

ClinVar aggregate classification (germline): Conflicting classifications of pathogenicity. Review status: criteria provided, conflicting classifications (1 of 4 stars). 4 submissions from 4 submitters: Uncertain significance (2); Likely benign (2). Last evaluated 2025-10-08.

Conditions:
Danon disease. Also called: Glycogen Storage Disease Type IIb; ANTOPOL DISEASE; PSEUDOGLYCOGENOSIS II; GSD IIb; LYSOSOMAL GLYCOGEN STORAGE DISEASE WITHOUT ACID MALTASE DEFICIENCY. Identifiers: Orphanet 34587, MedGen C0878677, MONDO:0010281, OMIM 300257.
Cardiovascular phenotype. Identifiers: MedGen CN230736.

Allele frequency attached by ClinVar (database versions not stated): gnomAD exomes 0.00001; ExAC 0.00002; gnomAD 0.00003; TOPMed 0.00003; ESP Exome Variant Server 0.00009.
gnomAD v4.1: 5 of 1,203,493 alleles (0.00042%); highest among the groups gnomAD compares: African/African-American, 0.0088%; no homozygotes.

Submissions (4):

Labcorp Genetics (formerly Invitae), Labcorp
Classification: Uncertain significance for Danon disease. Last evaluated: 2025-10-08. Review status: criteria provided, single submitter. Criteria: Invitae Variant Classification Sherloc (09022015). Collection method: clinical testing. Allele origin: germline.
Comment: This sequence change replaces aspartic acid, which is acidic and polar, with glutamic acid, which is acidic and polar, at codon 68 of the LAMP2 protein (p.Asp68Glu). This variant is present in population databases (rs376215728, gnomAD 0.008%). This variant has not been reported in the literature in individuals affected with LAMP2-related conditions. ClinVar contains an entry for this variant (Variation ID: 379589). Invitae Evidence Modeling of protein sequence and biophysical properties (such as structural, functional, and spatial information, amino acid conservation, physicochemical variation, residue mobility, and thermodynamic stability) indicates that this missense variant is not expected to disrupt LAMP2 protein function with a negative predictive value of 80%. In summary, the available evidence is currently insufficient to determine the role of this variant in disease. Therefore, it has been classified as a Variant of Uncertain Significance.

Ambry Genetics
Classification: Uncertain significance for Cardiovascular phenotype. Last evaluated: 2022-10-24. Review status: criteria provided, single submitter. Criteria: Ambry Variant Classification Scheme 2023. Collection method: clinical testing. Allele origin: germline.
Comment: The p.D68E variant (also known as c.204C>G), located in coding exon 3 of the LAMP2 gene, results from a C to G substitution at nucleotide position 204. The aspartic acid at codon 68 is replaced by glutamic acid, an amino acid with highly similar properties. Based on data from gnomAD, the G allele has an overall frequency of <0.01% (1/183343) total alleles studied, with no hemizygotes observed. The highest observed frequency was <0.01% (1/13158) of African alleles. This amino acid position is not well conserved in available vertebrate species, and glutamic acid is the reference amino acid in other vertebrate species. In addition, this alteration is predicted to be tolerated by in silico analysis. Since supporting evidence is limited at this time, the clinical significance of this alteration remains unclear.

Blueprint Genetics
Classification: Likely benign. Last evaluated: 2020-08-25. Review status: criteria provided, single submitter. Criteria: ACMG Guidelines, 2015. Collection method: clinical testing. Allele origin: germline.

GeneDx
Classification: Likely benign. Last evaluated: 2015-05-05. Review status: criteria provided, single submitter. Criteria: GeneDx Variant Classification (06012015). Collection method: clinical testing. Allele origin: germline. Affected: yes.
Comment: This variant is considered likely benign or benign based on one or more of the following criteria: it is a conservative change, it occurs at a poorly conserved position in the protein, it is predicted to be benign by multiple in silico algorithms, and/or has population frequency not consistent with disease.